The following is an entry in ClinVar:

ClinVar aggregate classification (germline): Uncertain significance (1 of 4 stars; one submission).

gnomAD v4.1: 3 of 1,613,822 alleles (0.00019%); highest among the groups gnomAD compares: Non-Finnish European, 0.000085%; no homozygotes.

Submission:

Labcorp Genetics (formerly Invitae), Labcorp
Classification: Uncertain significance. Last evaluated: 2022-07-05. Review status: criteria provided, single submitter. Criteria: Invitae Variant Classification Sherloc (09022015). Collection method: clinical testing. Allele origin: germline.
Comment: This variant has not been reported in the literature in individuals affected with TRIOBP-related conditions. This variant is not present in population databases (gnomAD no frequency). This sequence change replaces glycine, which is neutral and non-polar, with aspartic acid, which is acidic and polar, at codon 213 of the TRIOBP protein (p.Gly213Asp). Algorithms developed to predict the effect of missense changes on protein structure and function (SIFT, PolyPhen-2, Align-GVGD) all suggest that this variant is likely to be tolerated. In summary, the available evidence is currently insufficient to determine the role of this variant in disease. Therefore, it has been classified as a Variant of Uncertain Significance.

NM_001039141.3(TRIOBP):c.638G>A (p.Gly213Asp)

Gene: TRIOBP (TRIO and F-actin binding protein; plus strand). Cytogenetic location: 22q13.1.
Variant type: single nucleotide variant.
Coding change: c.638G>A on transcript NM_001039141.3 (MANE Select); coding-DNA position 638, G replaced by A.
Protein change: p.Gly213Asp; replaces glycine 213 with aspartic acid.
Molecular consequence: missense variant.
Genome position (GRCh38, 1-based): chr22:37,723,194, G>A. VCF-style: chr22-37723194-G-A. GRCh37 (hg19) VCF-style: chr22-38119201-G-A.
Other names: short protein forms G213D.
Identifiers: ClinVar variation 2191087 (VCV002191087.4), dbSNP rs2518171466, ClinGen allele CA411453844.